The following is an entry in ClinVar:

ClinVar aggregate classification (germline): Uncertain significance (1 of 4 stars; one submission).

Conditions:
Hereditary cancer-predisposing syndrome. Also called: Neoplastic Syndromes, Hereditary; Tumor predisposition; Hereditary neoplastic syndrome; Hereditary Cancer Syndrome. Identifiers: Orphanet 140162, MedGen C0027672, MeSH D009386, MONDO:0015356.

Allele frequency attached by ClinVar (database versions not stated): TOPMed below 0.00001; gnomAD exomes below 0.00001.
gnomAD v4.1: 1 of 1,613,934 alleles (0.000062%); highest among the groups gnomAD compares: South Asian, 0.0011%; no homozygotes.

Submission:

Ambry Genetics
Classification: Uncertain significance for Hereditary cancer-predisposing syndrome. Last evaluated: 2026-09-11. Review status: criteria provided, single submitter. Criteria: Ambry Variant Classification Scheme 2023. Collection method: clinical testing. Allele origin: germline.
Comment: The p.L531W variant (also known as c.1592T>G), located in coding exon 4 of the PALB2 gene, results from a T to G substitution at nucleotide position 1592. The leucine at codon 531 is replaced by tryptophan, an amino acid with similar properties. This amino acid position is conserved. In addition, this alteration is predicted to be tolerated by in silico analysis. Based on the available evidence, the clinical significance of this variant remains unclear.

NM_024675.4(PALB2):c.1592T>G (p.Leu531Trp)

Gene: PALB2 (partner and localizer of BRCA2; minus strand). Cytogenetic location: 16p12.2.
Variant type: single nucleotide variant.
Coding change: c.1592T>G on transcript NM_024675.4 (MANE Select); coding-DNA position 1592, T replaced by G.
Protein change: p.Leu531Trp; replaces leucine 531 with tryptophan.
Molecular consequence: missense variant.
Genome position (GRCh38, 1-based): chr16:23,634,954, A>C on the plus strand (T>G on the coding strand, the complement: PALB2 is on the minus strand). VCF-style: chr16-23634954-A-C. GRCh37 (hg19) VCF-style: chr16-23646275-A-C.
Other names: c.1532T>G, p.Leu511Trp (NM_001407296.1); c.1592T>G, p.Leu531Trp (NM_001407297.1, NM_001407298.1, NM_001407299.1 and 3 more transcripts); c.707T>G, p.Leu236Trp (NM_001407304.1, NM_001407305.1, NM_001407306.1 and 5 more transcripts); short protein forms L511W, L531W, L236W.
Identifiers: ClinVar variation 2330162 (VCV002330162.3), dbSNP rs540962715, ClinGen allele CA395130561.
Genomic context (GRCh38, chr16:23,634,954, plus strand): 5'-TATTTGTGTGAGGTGACTTCTTCCTTGGACCTGTTAACAATCGACAGGCTAGAAGTTGGC[A>C]AAAGTGGTTCACAATGATCTGATGCTGGGGTGCAGGCTGATTTTCTTTTTCCTGTGTATC-3'
Protein context (NP_078951.2, residues 521-541): TPASDHCEPL[Leu531Trp]PTSSLSIVNR